The following is an entry in ClinVar:

ClinVar aggregate classification (germline): Uncertain significance. Review status: criteria provided, multiple submitters, no conflicts (2 of 4 stars). 3 submissions from 3 submitters: Uncertain significance (3). Last evaluated 2024-03-13.

Conditions:
Pitt-Hopkins syndrome (PTHS). Also called: ENCEPHALOPATHY, SEVERE EPILEPTIC, WITH AUTONOMIC DYSFUNCTION; MENTAL RETARDATION, SYNDROMAL, WITH INTERMITTENT HYPERVENTILATION. Identifiers: Orphanet 2896, MedGen C1970431, MONDO:0012589, OMIM 610954.

Allele frequency attached by ClinVar (database versions not stated): ExAC 0.00002; gnomAD exomes 0.00001; TOPMed 0.00002.
gnomAD v4.1: 13 of 1,611,352 alleles (0.00081%); highest among the groups gnomAD compares: African/African-American, 0.0013%; no homozygotes.

Submissions (3):

Labcorp Genetics (formerly Invitae), Labcorp
Classification: Uncertain significance for Pitt-Hopkins syndrome. Last evaluated: 2024-03-13. Review status: criteria provided, single submitter. Criteria: Invitae Variant Classification Sherloc (09022015). Collection method: clinical testing. Allele origin: germline.
Comment: This sequence change replaces tyrosine, which is neutral and polar, with cysteine, which is neutral and slightly polar, at codon 71 of the TCF4 protein (p.Tyr71Cys). This variant is present in population databases (rs763349461, gnomAD 0.007%). This variant has not been reported in the literature in individuals affected with TCF4-related conditions. ClinVar contains an entry for this variant (Variation ID: 327306). Advanced modeling of protein sequence and biophysical properties (such as structural, functional, and spatial information, amino acid conservation, physicochemical variation, residue mobility, and thermodynamic stability) has been performed at Invitae for this missense variant, however the output from this modeling did not meet the statistical confidence thresholds required to predict the impact of this variant on TCF4 protein function. In summary, the available evidence is currently insufficient to determine the role of this variant in disease. Therefore, it has been classified as a Variant of Uncertain Significance.

GeneDx
Classification: Uncertain significance. Last evaluated: 2020-12-09. Review status: criteria provided, single submitter. Criteria: GeneDx Variant Classification Process June 2021. Collection method: clinical testing. Allele origin: germline. Affected: yes.
Comment: In silico analysis, which includes protein predictors and evolutionary conservation, supports a deleterious effect; Has not been previously published as pathogenic or benign to our knowledge

Illumina Laboratory Services, Illumina
Classification: Uncertain significance for Pitt-Hopkins syndrome. Last evaluated: 2018-01-12. Review status: criteria provided, single submitter. Criteria: ICSL Variant Classification Criteria 13 December 2019. Collection method: clinical testing. Allele origin: germline.

NM_001083962.2(TCF4):c.212A>G (p.Tyr71Cys)

Genes: TCF4 (transcription factor 4; minus strand), TCF4-AS1 (TCF4 antisense RNA 1; plus strand). Cytogenetic location: 18q21.2.
Variant type: single nucleotide variant.
Coding change: c.212A>G on transcript NM_001083962.2 (MANE Select); coding-DNA position 212, A replaced by G.
Protein change: p.Tyr71Cys; replaces tyrosine 71 with cysteine.
Molecular consequence: missense variant.
Genome position (GRCh38, 1-based): chr18:55,461,111, T>C on the plus strand (A>G on the coding strand, the complement: TCF4 is on the minus strand). VCF-style: chr18-55461111-T-C. GRCh37 (hg19) VCF-style: chr18-53128342-T-C.
Other names: c.518A>G, p.Tyr173Cys (NM_001243226.3); c.140A>G, p.Tyr47Cys (NM_001243227.2, NM_001306207.1, NM_001348217.1 and 15 more transcripts); c.212A>G, p.Tyr71Cys (NM_001243228.2, NM_001330604.3, NM_001369567.1 and 8 more transcripts); c.206A>G, p.Tyr69Cys (NM_001243230.2); c.86A>G, p.Tyr29Cys (NM_001243231.2, NM_001348211.2); short protein forms Y71C, Y173C, Y29C, Y47C, Y69C.
Identifiers: ClinVar variation 327306 (VCV000327306.16), dbSNP rs763349461, ClinGen allele CA8970617.